The following is an entry in ClinVar:

ClinVar aggregate classification (germline): Uncertain significance (1 of 4 stars; one submission).

Submission:

GeneDx
Classification: Uncertain significance. Last evaluated: 2024-05-03. Review status: criteria provided, single submitter. Criteria: GeneDx Variant Classification Process June 2021. Collection method: clinical testing. Allele origin: germline. Affected: yes.
Comment: Not observed at significant frequency in large population cohorts (gnomAD); In silico analysis indicates that this missense variant does not alter protein structure/function; Has not been previously published as pathogenic or benign to our knowledge

NM_005245.4(FAT1):c.11091T>A (p.Phe3697Leu)

Genes: FAT1 (FAT atypical cadherin 1; minus strand), LOC126807254 (BRD4-independent group 4 enhancer GRCh37_chr4:187524269-187525468; plus strand). Cytogenetic location: 4q35.2.
Variant type: single nucleotide variant.
Coding change: c.11091T>A on transcript NM_005245.4 (MANE Select); coding-DNA position 11091, T replaced by A.
Protein change: p.Phe3697Leu; replaces phenylalanine 3697 with leucine.
Molecular consequence: missense variant.
Genome position (GRCh38, 1-based): chr4:186,603,435, A>T on the plus strand (T>A on the coding strand, the complement: FAT1 is on the minus strand). VCF-style: chr4-186603435-A-T. GRCh37 (hg19) VCF-style: chr4-187524589-A-T.
Other names: short protein forms F3697L.
Identifiers: ClinVar variation 3373303 (VCV003373303.1).